The following is an entry in ClinVar:

NM_000038.6(APC):c.1409-1336C>A

Gene: APC (APC regulator of WNT signaling pathway; plus strand). Cytogenetic location: 5q22.2.
Variant type: single nucleotide variant.
Coding change: c.1409-1336C>A on transcript NM_000038.6 (MANE Select); 1336 bases into the intron before coding-DNA position 1409, C replaced by A.
Molecular consequence: intron variant.
Genome position (GRCh38, 1-based): chr5:112,825,772, C>A. VCF-style: chr5-112825772-C-A. GRCh37 (hg19) VCF-style: chr5-112161469-C-A.
Other names: c.1409-1336C>A (NM_001354895.2, NM_001127510.3); c.1439-1336C>A (NM_001354897.2); c.1136-1336C>A (NM_001354902.2); c.1355-1336C>A (NM_001127511.3); c.1334-1336C>A (NM_001354898.2); c.1031-1336C>A (NM_001354904.2); c.560-1336C>A (NM_001354906.2); c.1463-1336C>A (NM_001354896.2); and 5 more.
Identifiers: ClinVar variation 83152 (VCV000083152.2), dbSNP rs2546108, ClinGen allele CA004982.

ClinVar aggregate classification (germline): other (0 of 4 stars; one submission).

Conditions:
Familial colorectal cancer. Identifiers: MedGen CN280943, MONDO:0023113. Disease mechanism: loss of function.

Allele frequency attached by ClinVar (database versions not stated): gnomAD 0.38983 and 0.40256; TOPMed 0.40643; 1000 Genomes Project 30x 0.43379; 1000 Genomes Project 0.43810.
gnomAD v4.1: 61,400 of 152,102 alleles (40%); highest among the groups gnomAD compares: East Asian, 66%; 14,705 homozygotes.

Submission:

Systems Biology Platform Zhejiang California International NanoSystems Institute
Classification: other for Familial colorectal cancer. Review status: no assertion criteria provided. Collection method: not provided. Allele origin: unknown.
ClinVar note: Converted during submission from cancer to other.